The following is an entry in ClinVar:

ClinVar aggregate classification (germline): Pathogenic (1 of 4 stars; one submission).

Submission:

GeneDx
Classification: Pathogenic. Last evaluated: 2016-05-04. Review status: criteria provided, single submitter. Criteria: GeneDx Variant Classification (06012015). Collection method: clinical testing. Allele origin: germline. Affected: yes.
Comment: The c.1336delC variant in the MEN1 gene causes a frameshift starting with codon Arginine 446, changes this amino acid to a Valine residue and creates a premature Stop codon at position 12 of the new reading frame, denoted p.Arg446ValfsX12. This pathogenic variant is predicted to cause loss of normal protein function through protein truncation.

NM_001370259.2(MEN1):c.1336del (p.Arg446fs)

Gene: MEN1 (menin 1; minus strand). Cytogenetic location: 11q13.1.
Variant type: Deletion.
Coding change: c.1336del on transcript NM_001370259.2 (MANE Select); coding-DNA position 1336, one base deleted (C; older notation c.1336delC).
Protein change: p.Arg446fs; shifts the reading frame from arginine 446.
Molecular consequence: frameshift variant.
Genome position (GRCh38, 1-based): chr11:64,805,048, G deleted on the plus strand (C on the coding strand, the reverse complement: MEN1 is on the minus strand); the first of 2 consecutive G bases (chr11:64,805,048-64,805,049); deleting either gives the same sequence. VCF-style (leftmost placement, unchanged base first): chr11-64805047-CG-C. GRCh37 (hg19) VCF-style: chr11-64572519-CG-C.
Other names: c.1336delC (NM_130799.2); c.1351del, p.Arg451fs (NM_000244.4, NM_130800.3, NM_130801.3 and 3 more transcripts); c.1462del, p.Arg488fs (NM_001370251.2); c.1336del, p.Arg446fs (NM_001370260.2, NM_001370261.2, NM_130799.3); c.1231del, p.Arg411fs (NM_001370262.2, NM_001370263.2); short protein forms R446fs, R488fs, R411fs, R451fs.
Identifiers: ClinVar variation 280564 (VCV000280564.3), dbSNP rs886041746, ClinGen allele CA10603126.